The following is an entry in ClinVar:

NM_003072.5(SMARCA4):c.3402C>A (p.Asp1134Glu)

Gene: SMARCA4 (SWI/SNF related BAF chromatin remodeling complex subunit ATPase 4; plus strand). Cytogenetic location: 19p13.2.
Variant type: single nucleotide variant.
Coding change: c.3402C>A on transcript NM_003072.5 (MANE Select); coding-DNA position 3402, C replaced by A.
Protein change: p.Asp1134Glu; replaces aspartic acid 1134 with glutamic acid.
Molecular consequence: missense variant. On other transcripts: non-coding transcript variant (1).
Genome position (GRCh38, 1-based): chr19:11,030,749, C>A. VCF-style: chr19-11030749-C-A. GRCh37 (hg19) VCF-style: chr19-11141425-C-A.
Other names: c.3402C>A, p.Asp1134Glu (NM_001128844.3, NM_001128845.2, NM_001128846.2 and 4 more transcripts); short protein forms D1134E.
Identifiers: ClinVar variation 1006476 (VCV001006476.8), dbSNP rs2074871664, ClinGen allele CA404062560.

ClinVar aggregate classification (germline): Uncertain significance (1 of 4 stars; one submission).

Conditions:
Rhabdoid tumor predisposition syndrome 2 (RTPS2). Identifiers: Orphanet 231108, Orphanet 69077, MedGen C2750074, MONDO:0013224, OMIM 613325.

Submission:

Labcorp Genetics (formerly Invitae), Labcorp
Classification: Uncertain significance for Rhabdoid tumor predisposition syndrome 2. Last evaluated: 2020-10-28. Review status: criteria provided, single submitter. Criteria: Invitae Variant Classification Sherloc (09022015). Collection method: clinical testing. Allele origin: germline.
Comment: In summary, the available evidence is currently insufficient to determine the role of this variant in disease. Therefore, it has been classified as a Variant of Uncertain Significance. Algorithms developed to predict the effect of missense changes on protein structure and function (SIFT, PolyPhen-2, Align-GVGD) all suggest that this variant is likely to be disruptive, but these predictions have not been confirmed by published functional studies and their clinical significance is uncertain. This variant has not been reported in the literature in individuals with SMARCA4-related conditions. This variant is not present in population databases (ExAC no frequency). This sequence change replaces aspartic acid with glutamic acid at codon 1134 of the SMARCA4 protein (p.Asp1134Glu). The aspartic acid residue is highly conserved and there is a small physicochemical difference between aspartic acid and glutamic acid.